The following is an entry in ClinVar:

NM_000234.3(LIG1):c.1384G>T (p.Ala462Ser)

Gene: LIG1 (DNA ligase 1; minus strand). Cytogenetic location: 19q13.33.
Variant type: single nucleotide variant.
Coding change: c.1384G>T on transcript NM_000234.3 (MANE Select); coding-DNA position 1384, G replaced by T.
Protein change: p.Ala462Ser; replaces alanine 462 with serine.
Molecular consequence: missense variant. On other transcripts: non-coding transcript variant (6).
Genome position (GRCh38, 1-based): chr19:48,136,073, C>A on the plus strand (G>T on the coding strand, the complement: LIG1 is on the minus strand). VCF-style: chr19-48136073-C-A. GRCh37 (hg19) VCF-style: chr19-48639330-C-A.
Other names: c.1291G>T, p.Ala431Ser (NM_001289063.2); c.1180G>T, p.Ala394Ser (NM_001289064.2); c.1381G>T, p.Ala461Ser (NM_001320970.2); c.1294G>T, p.Ala432Ser (NM_001320971.2); short protein forms A431S, A461S, A432S, A394S, A462S.
Identifiers: ClinVar variation 1992465 (VCV001992465.3), dbSNP rs375229583, ClinGen allele CA309295499.

ClinVar aggregate classification (germline): Uncertain significance. Review status: criteria provided, multiple submitters, no conflicts (2 of 4 stars). 2 submissions from 2 submitters: Uncertain significance (2). Last evaluated 2025-08-06.

Allele frequency attached by ClinVar (database versions not stated): gnomAD exomes below 0.00001; gnomAD 0.00001; TOPMed 0.00002; ESP Exome Variant Server 0.00008.
gnomAD v4.1: 5 of 1,572,404 alleles (0.00032%); highest among the groups gnomAD compares: Non-Finnish European, 0.00043%; no homozygotes.

Submissions (2):

Ambry Genetics
Classification: Uncertain significance. Last evaluated: 2025-08-06. Review status: criteria provided, single submitter. Criteria: Ambry Variant Classification Scheme 2023. Collection method: clinical testing. Allele origin: germline.

Labcorp Genetics (formerly Invitae), Labcorp
Classification: Uncertain significance. Last evaluated: 2022-05-09. Review status: criteria provided, single submitter. Criteria: Invitae Variant Classification Sherloc (09022015). Collection method: clinical testing. Allele origin: germline.
Comment: In summary, the available evidence is currently insufficient to determine the role of this variant in disease. Therefore, it has been classified as a Variant of Uncertain Significance. This sequence change replaces alanine, which is neutral and non-polar, with serine, which is neutral and polar, at codon 462 of the LIG1 protein (p.Ala462Ser). This variant is not present in population databases (gnomAD no frequency). This variant has not been reported in the literature in individuals affected with LIG1-related conditions. Algorithms developed to predict the effect of missense changes on protein structure and function are either unavailable or do not agree on the potential impact of this missense change (SIFT: "Tolerated"; PolyPhen-2: "Possibly Damaging"; Align-GVGD: "Class C0").